The following is an entry in ClinVar:

ClinVar aggregate classification (germline): Uncertain significance (1 of 4 stars; one submission).

gnomAD v4.1: 1 of 1,613,650 alleles (0.000062%); highest among the groups gnomAD compares: Non-Finnish European, 0.000085%; no homozygotes.

Submission:

Labcorp Genetics (formerly Invitae), Labcorp
Classification: Uncertain significance. Last evaluated: 2025-08-14. Review status: criteria provided, single submitter. Criteria: Invitae Variant Classification Sherloc (09022015). Collection method: clinical testing. Allele origin: germline.
Comment: This sequence change replaces arginine, which is basic and polar, with glycine, which is neutral and non-polar, at codon 23 of the CAPN5 protein (p.Arg23Gly). This variant is present in population databases (rs369938944, gnomAD 0.0009%). This variant has not been reported in the literature in individuals affected with CAPN5-related conditions. Invitae Evidence Modeling of protein sequence and biophysical properties (such as structural, functional, and spatial information, amino acid conservation, physicochemical variation, residue mobility, and thermodynamic stability) indicates that this missense variant is not expected to disrupt CAPN5 protein function with a negative predictive value of 80%. In summary, the available evidence is currently insufficient to determine the role of this variant in disease. Therefore, it has been classified as a Variant of Uncertain Significance.

NM_004055.5(CAPN5):c.67A>G (p.Arg23Gly)

Gene: CAPN5 (calpain 5; plus strand). Cytogenetic location: 11q13.5.
Variant type: single nucleotide variant.
Coding change: c.67A>G on transcript NM_004055.5 (MANE Select); coding-DNA position 67, A replaced by G.
Protein change: p.Arg23Gly; replaces arginine 23 with glycine.
Molecular consequence: missense variant. On other transcripts: non-coding transcript variant (1).
Genome position (GRCh38, 1-based): chr11:77,084,953, A>G. VCF-style: chr11-77084953-A-G. GRCh37 (hg19) VCF-style: chr11-76795999-A-G.
Other names: c.67A>G, p.Arg23Gly (NM_001425321.1, NM_001425322.1, NM_001425323.1); short protein forms R23G.
Identifiers: ClinVar variation 4700821 (VCV004700821.1).
Genomic context (GRCh38, chr11:77,084,953, plus strand): 5'-TCGTGTGTGAAGCCCTATGAGGACCAGAACTACTCAGCCCTGAGGCGGGACTGCCGGCGC[A>G]GGAAGGTGCTCTTCGAGGACCCCCTCTTCCCCGCCACTGACGACTCACTCTACTATAAGG-3'
Protein context (NP_004046.2, residues 13-33): YSALRRDCRR[Arg23Gly]KVLFEDPLFP